The following is an entry in ClinVar:

NM_001041.4(SI):c.5212G>A (p.Asp1738Asn)

Gene: SI (sucrase-isomaltase; minus strand). Cytogenetic location: 3q26.1.
Variant type: single nucleotide variant.
Coding change: c.5212G>A on transcript NM_001041.4 (MANE Select); coding-DNA position 5212, G replaced by A.
Protein change: p.Asp1738Asn; replaces aspartic acid 1738 with asparagine.
Molecular consequence: missense variant.
Genome position (GRCh38, 1-based): chr3:164,983,037, C>T on the plus strand (G>A on the coding strand, the complement: SI is on the minus strand). VCF-style: chr3-164983037-C-T. GRCh37 (hg19) VCF-style: chr3-164700825-C-T.
Other names: short protein forms D1738N.
Identifiers: ClinVar variation 2080327 (VCV002080327.2), dbSNP rs774160456, ClinGen allele CA87236977.

ClinVar aggregate classification (germline): Uncertain significance (1 of 4 stars; one submission).

Allele frequency attached by ClinVar (database versions not stated): TOPMed below 0.00001.
gnomAD v4.1: 1 of 1,545,744 alleles (0.000065%); highest among the groups gnomAD compares: African/African-American, 0.0014%; no homozygotes.

Submission:

Labcorp Genetics (formerly Invitae), Labcorp
Classification: Uncertain significance. Last evaluated: 2022-08-19. Review status: criteria provided, single submitter. Criteria: Invitae Variant Classification Sherloc (09022015). Collection method: clinical testing. Allele origin: germline.
Comment: In summary, the available evidence is currently insufficient to determine the role of this variant in disease. Therefore, it has been classified as a Variant of Uncertain Significance. Advanced modeling of protein sequence and biophysical properties (such as structural, functional, and spatial information, amino acid conservation, physicochemical variation, residue mobility, and thermodynamic stability) performed at Invitae indicates that this missense variant is not expected to disrupt SI protein function. This variant has not been reported in the literature in individuals affected with SI-related conditions. This variant is not present in population databases (gnomAD no frequency). This sequence change replaces aspartic acid, which is acidic and polar, with asparagine, which is neutral and polar, at codon 1738 of the SI protein (p.Asp1738Asn).